The following is an entry in ClinVar:

NM_020800.3(IFT80):c.1076C>T (p.Ser359Phe)

Genes: IFT80 (intraflagellar transport 80; minus strand), TRIM59-IFT80 (TRIM59-IFT80 readthrough (NMD candidate); minus strand). Cytogenetic location: 3q25.33.
Variant type: single nucleotide variant.
Coding change: c.1076C>T on transcript NM_020800.3 (MANE Select); coding-DNA position 1076, C replaced by T.
Protein change: p.Ser359Phe; replaces serine 359 with phenylalanine.
Molecular consequence: missense variant. On other transcripts: non-coding transcript variant (3).
Genome position (GRCh38, 1-based): chr3:160,307,663, G>A on the plus strand (C>T on the coding strand, the complement: IFT80 is on the minus strand). VCF-style: chr3-160307663-G-A. GRCh37 (hg19) VCF-style: chr3-160025451-G-A.
Other names: p.Ser359Phe; c.665C>T, p.Ser222Phe (NM_001190241.2, NM_001190242.2); short protein forms S359F, S222F.
Identifiers: ClinVar variation 193733 (VCV000193733.35), dbSNP rs144099135, ClinGen allele CA200758.

ClinVar aggregate classification (germline): Benign. Review status: criteria provided, multiple submitters, no conflicts (2 of 4 stars). 8 submissions from 8 submitters: Benign (8). Last evaluated 2026-02-02.

Conditions:
Connective tissue disorder. Also called: Connective tissue disease. Identifiers: MedGen C0009782, MONDO:0003900.
Jeune thoracic dystrophy. Also called: Short-rib thoracic dysplasia; Jeune syndrome; Infantile thoracic dystrophy; Thoracic pelvic phalangeal dystrophy; Jeune's syndrome; Chondroectodermal dysplasia-like syndrome. Identifiers: Orphanet 474, MedGen C0265275, MONDO:0018770.
Asphyxiating thoracic dystrophy 2 (SRTD2). Also called: SHORT-RIB THORACIC DYSPLASIA 2 WITH OR WITHOUT POLYDACTYLY; SHORT-RIB THORACIC DYSPLASIA 2 WITH POLYDACTYLY; SHORT-RIB THORACIC DYSPLASIA 2 WITHOUT POLYDACTYLY. Identifiers: Orphanet 474, MedGen C1970005, MONDO:0012644, OMIM 611263.

Allele frequency attached by ClinVar (database versions not stated): ESP Exome Variant Server 0.00600; gnomAD 0.00742 and 0.00760; 1000 Genomes Project 0.00899; TOPMed 0.00929; 1000 Genomes Project 30x 0.00953; ExAC 0.00968; gnomAD exomes 0.01078.
gnomAD v4.1: 11,690 of 1,445,354 alleles (0.81%); highest among the groups gnomAD compares: Admixed American, 3.8%; 99 homozygotes.

Submissions (8):

Labcorp Genetics (formerly Invitae), Labcorp
Classification: Benign for Jeune thoracic dystrophy. Last evaluated: 2026-02-02. Review status: criteria provided, single submitter. Criteria: Invitae Variant Classification Sherloc (09022015). Collection method: clinical testing. Allele origin: germline.

ARUP Laboratories, Molecular Genetics and Genomics, ARUP Laboratories
Classification: Benign for Asphyxiating thoracic dystrophy 2. Last evaluated: 2024-10-22. Review status: criteria provided, single submitter. Criteria: ARUP Molecular Germline Variant Investigation Process 2024. Collection method: clinical testing. Allele origin: germline.

Mayo Clinic Laboratories, Mayo Clinic
Classification: Benign. Last evaluated: 2023-10-09. Review status: criteria provided, single submitter. Criteria: ACMG Guidelines, 2015. Collection method: clinical testing. Allele origin: germline. Observed: 3 variant alleles.
Comment: BS1, BS2

Genome Diagnostics Laboratory, The Hospital for Sick Children
Classification: Benign for Connective tissue disorder. Last evaluated: 2022-02-04. Review status: criteria provided, single submitter. Criteria: ACMG Guidelines, 2015. Collection method: clinical testing. Allele origin: germline.

Illumina Laboratory Services, Illumina
Classification: Benign for Asphyxiating thoracic dystrophy 2. Last evaluated: 2018-01-13. Review status: criteria provided, single submitter. Criteria: ICSL Variant Classification Criteria 13 December 2019. Collection method: clinical testing. Allele origin: germline.
Comment: This variant was observed in the ICSL laboratory as part of a predisposition screen in an ostensibly healthy population. It had not been previously curated by ICSL or reported in the Human Gene Mutation Database (HGMD: prior to June 1st, 2018), and was therefore a candidate for classification through an automated scoring system. Utilizing variant allele frequency, disease prevalence and penetrance estimates, and inheritance mode, an automated score was calculated to assess if this variant is too frequent to cause the disease. Based on the score and internal cut-off values, a variant classified as benign is not then subjected to further curation. The score for this variant resulted in a classification of benign for this disease.

Center for Pediatric Genomic Medicine, Children's Mercy Hospital and Clinics
Classification: Benign. Last evaluated: 2015-04-14. Review status: criteria provided, single submitter. Criteria: ACMG Guidelines, 2015. Collection method: clinical testing. Allele origin: germline.

Eurofins Ntd Llc (ga)
Classification: Benign. Last evaluated: 2014-07-21. Review status: criteria provided, single submitter. Criteria: EGL Classification Definitions 2015. Collection method: clinical testing. Allele origin: germline. Observed: 1 variant allele, 1 heterozygote.

Breakthrough Genomics
Classification: Benign. Review status: criteria provided, single submitter. Criteria: ACMG Guidelines, 2015. Collection method: not provided. Allele origin: germline. Inheritance: Autosomal recessive inheritance. Affected: yes.